The following is an entry in ClinVar:

ClinVar aggregate classification (germline): Uncertain significance (1 of 4 stars; one submission).

Allele frequency attached by ClinVar (database versions not stated): gnomAD exomes below 0.00001 and 0.00001; ExAC 0.00001; gnomAD 0.00001; TOPMed 0.00003.
gnomAD v4.1: 7 of 1,602,490 alleles (0.00044%); highest among the groups gnomAD compares: African/African-American, 0.0067%; no homozygotes.

Submission:

Labcorp Genetics (formerly Invitae), Labcorp
Classification: Uncertain significance. Last evaluated: 2021-12-02. Review status: criteria provided, single submitter. Criteria: Invitae Variant Classification Sherloc (09022015). Collection method: clinical testing. Allele origin: germline.
Comment: In summary, the available evidence is currently insufficient to determine the role of this variant in disease. Therefore, it has been classified as a Variant of Uncertain Significance. Algorithms developed to predict the effect of missense changes on protein structure and function are either unavailable or do not agree on the potential impact of this missense change (SIFT: "Deleterious"; PolyPhen-2: "Probably Damaging"; Align-GVGD: "Class C0"). This variant has not been reported in the literature in individuals affected with CNTNAP1-related conditions. The frequency data for this variant in the population databases is considered unreliable, as metrics indicate poor data quality at this position in the gnomAD database. This sequence change replaces isoleucine, which is neutral and non-polar, with threonine, which is neutral and polar, at codon 999 of the CNTNAP1 protein (p.Ile999Thr).

NM_003632.3(CNTNAP1):c.2996T>C (p.Ile999Thr)

Gene: CNTNAP1 (contactin associated protein 1; plus strand). Cytogenetic location: 17q21.2.
Variant type: single nucleotide variant.
Coding change: c.2996T>C on transcript NM_003632.3 (MANE Select); coding-DNA position 2996, T replaced by C.
Protein change: p.Ile999Thr; replaces isoleucine 999 with threonine.
Molecular consequence: missense variant.
Genome position (GRCh38, 1-based): chr17:42,695,524, T>C. VCF-style: chr17-42695524-T-C. GRCh37 (hg19) VCF-style: chr17-40847542-T-C.
Other names: short protein forms I999T.
Identifiers: ClinVar variation 1499899 (VCV001499899.8), dbSNP rs759759471, ClinGen allele CA8582224.
Genomic context (GRCh38, chr17:42,695,524, plus strand): 5'-CTCTGAATTGGGGAGTGAGCAGTGTGGGGGCCCTAACCTCCCTGCTTCTACCTGCAGATA[T>C]TGGTGGTTTCTTTGAGCCGGGCACCTGGATGCGCTATAACCTACAGTCAGCGCTGCGCTC-3'
Protein context (NP_003623.1, residues 989-1009): AFDGPYCNHD[Ile999Thr]GGFFEPGTWM